The following is an entry in ClinVar:

NM_003410.4(ZFX):c.1933T>C (p.Ser645Pro)

Gene: ZFX (zinc finger protein X-linked; plus strand). Cytogenetic location: Xp22.11.
Variant type: single nucleotide variant.
Coding change: c.1933T>C on transcript NM_003410.4 (MANE Select); coding-DNA position 1933, T replaced by C.
Protein change: p.Ser645Pro; replaces serine 645 with proline.
Molecular consequence: missense variant. On other transcripts: 3 prime UTR variant (1).
Genome position (GRCh38, 1-based): chrX:24,210,891, T>C. VCF-style: chrX-24210891-T-C. GRCh37 (hg19) VCF-style: chrX-24229008-T-C.
Other names: c.1933T>C, p.Ser645Pro (NM_001178084.2, NM_001178085.1); c.1246T>C, p.Ser416Pro (NM_001178086.2); c.*693T>C (NM_001178095.2); c.2050T>C, p.Ser684Pro (NM_001330327.2); short protein forms S416P, S645P, S684P.
Identifiers: ClinVar variation 3342771 (VCV003342771.2).

ClinVar aggregate classification (germline): Uncertain significance (1 of 4 stars; one submission).

Submission:

GeneDx
Classification: Uncertain significance. Last evaluated: 2026-02-15. Review status: criteria provided, single submitter. Criteria: GeneDx Variant Classification Process June 2021. Collection method: clinical testing. Allele origin: germline.
Comment: Not observed at significant frequency in large population cohorts (gnomAD); In silico analysis supports that this missense variant has a deleterious effect on protein structure/function; Has not been previously published as pathogenic or benign to our knowledge